The following is an entry in ClinVar:

ClinVar aggregate classification (germline): Likely pathogenic. Review status: criteria provided, single submitter (1 of 4 stars). 2 submissions from 2 submitters: Likely pathogenic (1). 1 of the submissions does not count toward it. Last evaluated 2021-08-26.

Conditions:
Neuronopathy, distal hereditary motor, autosomal dominant. Also called: Autosomal dominant distal hereditary motor neuropathy. Identifiers: Orphanet 140465, MedGen C5548212, MONDO:0015362.
Charcot-Marie-Tooth disease axonal type 2S. Also called: CHARCOT-MARIE-TOOTH NEUROPATHY, TYPE 2S; CHARCOT-MARIE-TOOTH DISEASE, AXONAL, AUTOSOMAL RECESSIVE, TYPE 2S. Identifiers: Orphanet 443073, MedGen C4015349, MONDO:0014511, OMIM 616155.
Autosomal recessive distal spinal muscular atrophy 1. Also called: NEURONOPATHY, SEVERE INFANTILE AXONAL, WITH RESPIRATORY FAILURE; SEVERE INFANTILE AXONAL NEUROPATHY WITH RESPIRATORY FAILURE; SPINAL MUSCULAR ATROPHY, DIAPHRAGMATIC; Spinal muscular atrophy with respiratory distress 1; HMN VI; NEURONOPATHY, DISTAL HEREDITARY MOTOR, HARDING TYPE VI. Identifiers: Orphanet 98920, MedGen C1858517, MONDO:0011436, OMIM 604320.

Allele frequency attached by ClinVar (database versions not stated): gnomAD exomes below 0.00001; TOPMed 0.00001.
gnomAD v4.1: 2 of 1,614,170 alleles (0.00012%); highest among the groups gnomAD compares: Non-Finnish European, 0.00017%; no homozygotes.

Submissions (2):

Labcorp Genetics (formerly Invitae), Labcorp
Classification: Likely pathogenic for Autosomal recessive distal spinal muscular atrophy 1; Charcot-Marie-Tooth disease axonal type 2S. Last evaluated: 2021-08-26. Review status: criteria provided, single submitter. Criteria: Invitae Variant Classification Sherloc (09022015). Collection method: clinical testing. Allele origin: germline.
Comment: This sequence change replaces arginine with histidine at codon 606 of the IGHMBP2 protein (p.Arg606His). The arginine residue is highly conserved and there is a small physicochemical difference between arginine and histidine. This variant is not present in population databases (ExAC no frequency). This missense change has been observed in individual(s) with IGHMBP2-related conditions (PMID: 24022109). In at least one individual the data is consistent with the variant being in trans (on the opposite chromosome) from a pathogenic variant. ClinVar contains an entry for this variant (Variation ID: 637480). Advanced modeling of protein sequence and biophysical properties (such as structural, functional, and spatial information, amino acid conservation, physicochemical variation, residue mobility, and thermodynamic stability) performed at Invitae indicates that this missense variant is expected to disrupt IGHMBP2 protein function. In summary, the currently available evidence indicates that the variant is pathogenic, but additional data are needed to prove that conclusively. Therefore, this variant has been classified as Likely Pathogenic.

Inherited Neuropathy Consortium
Classification: Uncertain significance for Autosomal dominant distal hereditary motor neuropathy. Review status: no assertion criteria provided. Collection method: literature only. Allele origin: germline. Affected: yes. Not counted in ClinVar's aggregate classification.

Literature cited by the submitters: PubMed 24022109 (cited by Labcorp Genetics (formerly Invitae), Labcorp and Inherited Neuropathy Consortium).

NM_002180.3(IGHMBP2):c.1817G>A (p.Arg606His)

Gene: IGHMBP2 (immunoglobulin mu DNA binding protein 2; plus strand). Cytogenetic location: 11q13.3.
Variant type: single nucleotide variant.
Coding change: c.1817G>A on transcript NM_002180.3 (MANE Select); coding-DNA position 1817, G replaced by A.
Protein change: p.Arg606His; replaces arginine 606 with histidine.
Molecular consequence: missense variant.
Genome position (GRCh38, 1-based): chr11:68,936,297, G>A. VCF-style: chr11-68936297-G-A. GRCh37 (hg19) VCF-style: chr11-68703765-G-A.
Other names: short protein forms R606H.
Identifiers: ClinVar variation 637480 (VCV000637480.7), dbSNP rs1240319744, ClinGen allele CA381651614.
Genomic context (GRCh38, chr11:68,936,297, plus strand): 5'-GTGAAGTTGGTTTTCTTGCTGAGGACCGGAGGATCAACGTGGCTGTCACCCGTGCCCGAC[G>A]CCACGTGGCGGTCATCTGTGACTCCCGTACTGTCAACAACCATGCATTTTTGAAGACCCT-3'
Protein context (NP_002171.2, residues 596-616): RINVAVTRAR[Arg606His]HVAVICDSRT